The following is an entry in ClinVar:

NM_004320.6(ATP2A1):c.325-2A>T

Gene: ATP2A1 (ATPase sarcoplasmic/endoplasmic reticulum Ca2+ transporting 1; plus strand). Cytogenetic location: 16p11.2.
Variant type: single nucleotide variant.
Coding change: c.325-2A>T on transcript NM_004320.6 (MANE Select); the canonical splice acceptor site of the intron before coding-DNA position 325, A replaced by T.
Molecular consequence: splice acceptor variant.
Genome position (GRCh38, 1-based): chr16:28,882,449, A>T. VCF-style: chr16-28882449-A-T. GRCh37 (hg19) VCF-style: chr16-28893770-A-T.
Other names: c.325-2A>T (NM_173201.5); c.-51-2A>T (NM_001286075.2).
Identifiers: ClinVar variation 583159 (VCV000583159.10), dbSNP rs1567479853, ClinGen allele CA395401017.

ClinVar aggregate classification (germline): Pathogenic/Likely pathogenic. Review status: criteria provided, multiple submitters, no conflicts (2 of 4 stars). 2 submissions from 2 submitters: Pathogenic (1); Likely pathogenic (1). Last evaluated 2025-02-16.

Conditions:
Brody myopathy. Also called: BRODY DISEASE. Identifiers: Orphanet 53347, MedGen C1832918, MONDO:0010977, OMIM 601003.

Submissions (2):

Laboratory of Genetics, Children's Clinical University Hospital Latvia
Classification: Pathogenic. Last evaluated: 2025-02-16. Review status: criteria provided, single submitter. Criteria: ACMG Guidelines, 2015. Collection method: clinical testing. Allele origin: germline. Affected: yes.

Labcorp Genetics (formerly Invitae), Labcorp
Classification: Likely pathogenic for Brody myopathy. Last evaluated: 2022-09-13. Review status: criteria provided, single submitter. Criteria: Invitae Variant Classification Sherloc (09022015). Collection method: clinical testing. Allele origin: germline.
Comment: Algorithms developed to predict the effect of sequence changes on RNA splicing suggest that this variant may disrupt the consensus splice site. This sequence change affects an acceptor splice site in intron 4 of the ATP2A1 gene. It is expected to disrupt RNA splicing. Variants that disrupt the donor or acceptor splice site typically lead to a loss of protein function (PMID: 16199547), and loss-of-function variants in ATP2A1 are known to be pathogenic (PMID: 8841193, 10914677, 23911890). This variant is not present in population databases (gnomAD no frequency). This variant has not been reported in the literature in individuals affected with ATP2A1-related conditions. ClinVar contains an entry for this variant (Variation ID: 583159). In summary, the currently available evidence indicates that the variant is pathogenic, but additional data are needed to prove that conclusively. Therefore, this variant has been classified as Likely Pathogenic.

Literature cited by the submitters: PubMed 16199547 (cited by Labcorp Genetics (formerly Invitae), Labcorp); PubMed 8841193 (cited by Labcorp Genetics (formerly Invitae), Labcorp); PubMed 10914677 (cited by Labcorp Genetics (formerly Invitae), Labcorp); PubMed 23911890 (cited by Labcorp Genetics (formerly Invitae), Labcorp).